The following is an entry in ClinVar:

ClinVar aggregate classification (germline): Uncertain significance. Review status: criteria provided, multiple submitters, no conflicts (2 of 4 stars). 4 submissions from 4 submitters: Uncertain significance (3). 1 of the submissions does not count toward it. Last evaluated 2025-11-03.

Conditions:
Citrullinemia type I (CTNL1). Also called: ASS DEFICIENCY; argininosuccinate synthetase deficiency. Identifiers: Orphanet 247525, MedGen C4721769, MONDO:0008988, OMIM 215700.
Citrullinemia. Identifiers: Orphanet 187, MedGen C0175683, MONDO:0015991.

Allele frequency attached by ClinVar (database versions not stated): gnomAD exomes below 0.00001; TOPMed below 0.00001.
gnomAD v4.1: 4 of 1,613,282 alleles (0.00025%); highest among the groups gnomAD compares: African/African-American, 0.0013%; no homozygotes.

Submissions (4):

Labcorp Genetics (formerly Invitae), Labcorp
Classification: Uncertain significance for Citrullinemia. Last evaluated: 2025-11-03. Review status: criteria provided, single submitter. Criteria: Invitae Variant Classification Sherloc (09022015). Collection method: clinical testing. Allele origin: germline.
Comment: This sequence change replaces cysteine, which is neutral and slightly polar, with arginine, which is basic and polar, at codon 331 of the ASS1 protein (p.Cys331Arg). This variant is not present in population databases (gnomAD no frequency). This missense change has been observed in individual(s) with clinical features of citrullinemia (PMID: 31469252; internal data). In at least one individual the data is consistent with being in trans (on the opposite chromosome) from a pathogenic variant. ClinVar contains an entry for this variant (Variation ID: 842956). Invitae Evidence Modeling of protein sequence and biophysical properties (such as structural, functional, and spatial information, amino acid conservation, physicochemical variation, residue mobility, and thermodynamic stability) indicates that this missense variant is not expected to disrupt ASS1 protein function with a negative predictive value of 80%. In summary, the available evidence is currently insufficient to determine the role of this variant in disease. Therefore, it has been classified as a Variant of Uncertain Significance.

Women's Health and Genetics/Laboratory Corporation of America, LabCorp
Classification: Uncertain significance. Last evaluated: 2023-08-19. Review status: criteria provided, single submitter. Criteria: LabCorp Variant Classification Summary - May 2015. Collection method: clinical testing. Allele origin: germline.
Comment: Variant summary: ASS1 c.991T>C (p.Cys331Arg) results in a non-conservative amino acid change in the encoded protein sequence. Four of five in-silico tools predict a damaging effect of the variant on protein function. The variant was absent in 251160 control chromosomes. The available data on variant occurrences in the general population are insufficient to allow any conclusion about variant significance. c.991T>C has been reported in the literature in at-least one individual reportedly affected with features of Citrullinemia Type I and reporting 80% of wild-type residual argininosuccinate synthetase 1 enzymatic activity in the compound heterozygous genotype presented in this study (example, Zielonka_2019). These report(s) do not provide unequivocal conclusions about association of the variant with Citrullinemia Type I. To our knowledge, no variant specific experimental evidence demonstrating an impact on protein function has been reported. The following publication have been ascertained in the context of this evaluation (PMID: 31469252). Three submitters have cited clinical-significance assessments for this variant to ClinVar after 2014. All submitters classified the variant as uncertain significance. Based on the evidence outlined above, the variant was classified as uncertain significance.

Mendelics
Classification: Uncertain significance. Last evaluated: 2022-05-04. Review status: criteria provided, single submitter. Criteria: Mendelics Assertion Criteria 2019. Collection method: clinical testing. Allele origin: germline.

Natera, Inc.
Classification: Uncertain significance for Citrullinemia type I. Last evaluated: 2020-08-11. Review status: no assertion criteria provided. Collection method: clinical testing. Allele origin: germline. Not counted in ClinVar's aggregate classification.

Literature cited by the submitters: PubMed 31469252 (cited by Labcorp Genetics (formerly Invitae), Labcorp and Women's Health and Genetics/Laboratory Corporation of America, LabCorp).

NM_054012.4(ASS1):c.991T>C (p.Cys331Arg)

Gene: ASS1 (argininosuccinate synthase 1; plus strand). Cytogenetic location: 9q34.11.
Variant type: single nucleotide variant.
Coding change: c.991T>C on transcript NM_054012.4 (MANE Select); coding-DNA position 991, T replaced by C.
Protein change: p.Cys331Arg; replaces cysteine 331 with arginine.
Molecular consequence: missense variant.
Genome position (GRCh38, 1-based): chr9:130,494,887, T>C. VCF-style: chr9-130494887-T-C. GRCh37 (hg19) VCF-style: chr9-133370274-T-C.
Other names: c.991T>C, p.Cys331Arg (NM_000050.4); short protein forms C331R.
Identifiers: ClinVar variation 842956 (VCV000842956.12), dbSNP rs1055308437, ClinGen allele CA200593402.